The following is an entry in ClinVar:

ClinVar aggregate classification (germline): Uncertain significance (1 of 4 stars; one submission).

gnomAD v4.1: 53 of 1,612,586 alleles (0.0033%); highest among the groups gnomAD compares: South Asian, 0.0044%; no homozygotes.

Submission:

Labcorp Genetics (formerly Invitae), Labcorp
Classification: Uncertain significance. Last evaluated: 2025-06-12. Review status: criteria provided, single submitter. Criteria: Invitae Variant Classification Sherloc (09022015). Collection method: clinical testing. Allele origin: germline.
Comment: This sequence change replaces arginine, which is basic and polar, with tryptophan, which is neutral and slightly polar, at codon 2727 of the FBN3 protein (p.Arg2727Trp). This variant is present in population databases (rs199602063, gnomAD 0.03%). This variant has not been reported in the literature in individuals affected with FBN3-related conditions. ClinVar contains an entry for this variant (Variation ID: 3707632). Invitae Evidence Modeling of protein sequence and biophysical properties (such as structural, functional, and spatial information, amino acid conservation, physicochemical variation, residue mobility, and thermodynamic stability) indicates that this missense variant is not expected to disrupt FBN3 protein function with a negative predictive value of 80%. In summary, the available evidence is currently insufficient to determine the role of this variant in disease. Therefore, it has been classified as a Variant of Uncertain Significance.

NM_032447.5(FBN3):c.8179C>T (p.Arg2727Trp)

Gene: FBN3 (fibrillin 3; minus strand). Cytogenetic location: 19p13.2.
Variant type: single nucleotide variant.
Coding change: c.8179C>T on transcript NM_032447.5 (MANE Select); coding-DNA position 8179, C replaced by T.
Protein change: p.Arg2727Trp; replaces arginine 2727 with tryptophan.
Molecular consequence: missense variant.
Genome position (GRCh38, 1-based): chr19:8,066,170, G>A on the plus strand (C>T on the coding strand, the complement: FBN3 is on the minus strand). VCF-style: chr19-8066170-G-A. GRCh37 (hg19) VCF-style: chr19-8131054-G-A.
Other names: c.8179C>T, p.Arg2727Trp (NM_001321431.2); short protein forms R2727W.
Identifiers: ClinVar variation 3707632 (VCV003707632.2).